The following is an entry in ClinVar:

ClinVar aggregate classification (germline): Likely pathogenic (1 of 4 stars; one submission).

Conditions:
21-Hydroxylase-Deficient Congenital Adrenal Hyperplasia. Also called: ADRENAL HYPERPLASIA III; ADRENAL HYPERPLASIA, CONGENITAL, DUE TO 21-HYDROXYLASE DEFICIENCY. Identifiers: MedGen C2936858, OMIM 201910.

Submission:

Juno Genomics, Hangzhou Juno Genomics, Inc
Classification: Likely pathogenic for 21-Hydroxylase-Deficient Congenital Adrenal Hyperplasia. Review status: criteria provided, single submitter. Criteria: ACMG Guidelines, 2015. Collection method: clinical testing. Allele origin: germline. Affected: yes.
Comment: Absent from controls (or at extremely low frequency if recessive) in Genome Aggregation Database, Exome Sequencing Project, 1000 Genomes Project, or Exome Aggregation Consortium.;For recessive disorders, detected in trans with a pathogenic variant.;Patient's phenotype or family history is highly specific for a disease with a single genetic etiology.

NM_000500.9(CYP21A2):c.1294G>A (p.Glu432Lys)

Genes: CYP21A2 (cytochrome P450 family 21 subfamily A member 2; plus strand), LOC106780800 (CYP21A2 recombination region; plus strand). Cytogenetic location: 6p21.33.
Variant type: single nucleotide variant.
Coding change: c.1294G>A on transcript NM_000500.9 (MANE Select); coding-DNA position 1294, G replaced by A.
Protein change: p.Glu432Lys; replaces glutamic acid 432 with lysine.
Molecular consequence: missense variant.
Genome position (GRCh38, 1-based): chr6:32,040,940, G>A. VCF-style: chr6-32040940-G-A. GRCh37 (hg19) VCF-style: chr6-32008717-G-A.
Other names: c.1204G>A, p.Glu402Lys (NM_001128590.4); c.889G>A, p.Glu297Lys (NM_001368143.2, NM_001368144.2); short protein forms E297K, E402K, E432K.
Identifiers: ClinVar variation 3382047 (VCV003382047.2).